The following is an entry in ClinVar:

ClinVar aggregate classification (germline): Uncertain significance (1 of 4 stars; one submission).

Submission:

Labcorp Genetics (formerly Invitae), Labcorp
Classification: Uncertain significance. Last evaluated: 2022-04-01. Review status: criteria provided, single submitter. Criteria: Invitae Variant Classification Sherloc (09022015). Collection method: clinical testing. Allele origin: germline.
Comment: In summary, the available evidence is currently insufficient to determine the role of this variant in disease. Therefore, it has been classified as a Variant of Uncertain Significance. Algorithms developed to predict the effect of missense changes on protein structure and function (SIFT, PolyPhen-2, Align-GVGD) all suggest that this variant is likely to be disruptive. This variant has not been reported in the literature in individuals affected with TRIM8-related conditions. This variant is not present in population databases (gnomAD no frequency). This sequence change replaces tyrosine, which is neutral and polar, with cysteine, which is neutral and slightly polar, at codon 487 of the TRIM8 protein (p.Tyr487Cys).

NM_030912.3(TRIM8):c.1460A>G (p.Tyr487Cys)

Gene: TRIM8 (tripartite motif containing 8; plus strand). Cytogenetic location: 10q24.32.
Variant type: single nucleotide variant.
Coding change: c.1460A>G on transcript NM_030912.3 (MANE Select); coding-DNA position 1460, A replaced by G.
Protein change: p.Tyr487Cys; replaces tyrosine 487 with cysteine.
Molecular consequence: missense variant. On other transcripts: non-coding transcript variant (1).
Genome position (GRCh38, 1-based): chr10:102,657,158, A>G. VCF-style: chr10-102657158-A-G. GRCh37 (hg19) VCF-style: chr10-104416915-A-G.
Other names: c.1364A>G, p.Tyr455Cys (NM_001345950.1); short protein forms Y455C, Y487C.
Identifiers: ClinVar variation 2120512 (VCV002120512.4), dbSNP rs2492916237, ClinGen allele CA377932640.
Genomic context (GRCh38, chr10:102,657,158, plus strand): 5'-TCTGTTCTGTGGACAACTGTTACTGTTCTTCCGTGGCCAACCATGGCGGCCACCAGCCCT[A>G]CCCCCGCTCCGGCCACTTTCCCTGGACAGTGCCCTCGCAGGAGTACTCACACCCGCTCCC-3'
Protein context (NP_112174.2, residues 477-497): SVANHGGHQP[Tyr487Cys]PRSGHFPWTV